The following is an entry in ClinVar:

NM_199420.4(POLQ):c.4813G>T (p.Asp1605Tyr)

Gene: POLQ (DNA polymerase theta; minus strand). Cytogenetic location: 3q13.33.
Variant type: single nucleotide variant.
Coding change: c.4813G>T on transcript NM_199420.4 (MANE Select); coding-DNA position 4813, G replaced by T.
Protein change: p.Asp1605Tyr; replaces aspartic acid 1605 with tyrosine.
Molecular consequence: missense variant.
Genome position (GRCh38, 1-based): chr3:121,488,118, C>A on the plus strand (G>T on the coding strand, the complement: POLQ is on the minus strand). VCF-style: chr3-121488118-C-A. GRCh37 (hg19) VCF-style: chr3-121206965-C-A.
Other names: short protein forms D1605Y.
Identifiers: ClinVar variation 2625879 (VCV002625879.2), dbSNP rs2546785486, ClinGen allele CA354093732.

ClinVar aggregate classification (germline): Uncertain significance (1 of 4 stars; one submission).

Submission:

Ambry Genetics
Classification: Uncertain significance. Last evaluated: 2023-09-09. Review status: criteria provided, single submitter. Criteria: Ambry Variant Classification Scheme 2023. Collection method: clinical testing. Allele origin: germline.
Comment: The p.D1605Y variant (also known as c.4813G>T), located in coding exon 16 of the POLQ gene, results from a G to T substitution at nucleotide position 4813. The aspartic acid at codon 1605 is replaced by tyrosine, an amino acid with highly dissimilar properties. This amino acid position is conserved. In addition, this alteration is predicted to be tolerated by in silico analysis. Since supporting evidence is limited at this time, the clinical significance of this alteration remains unclear.